The following is an entry in ClinVar:

NM_000051.4(ATM):c.6508T>C (p.Tyr2170His)

Genes: ATM (ATM serine/threonine kinase; plus strand), C11orf65 (chromosome 11 open reading frame 65; minus strand). Cytogenetic location: 11q22.3.
Variant type: single nucleotide variant.
Coding change: c.6508T>C on transcript NM_000051.4 (MANE Select); coding-DNA position 6508, T replaced by C.
Protein change: p.Tyr2170His; replaces tyrosine 2170 with histidine.
Molecular consequence: missense variant. On other transcripts: intron variant (2).
Genome position (GRCh38, 1-based): chr11:108,321,356, T>C. VCF-style: chr11-108321356-T-C. GRCh37 (hg19) VCF-style: chr11-108192083-T-C.
Other names: c.6508T>C, p.Tyr2170His (NM_001351834.2); c.641-12285A>G (NM_001330368.2); c.*39-12285A>G (NM_001351110.2); short protein forms Y2170H.
Identifiers: ClinVar variation 142236 (VCV000142236.5), dbSNP rs587782327, ClinGen allele CA167820.

ClinVar aggregate classification (germline): Uncertain significance (1 of 4 stars; one submission).

Conditions:
Hereditary cancer-predisposing syndrome. Also called: Neoplastic Syndromes, Hereditary; Hereditary Cancer Syndrome; Tumor predisposition; Hereditary neoplastic syndrome. Identifiers: Orphanet 140162, MedGen C0027672, MeSH D009386, MONDO:0015356.

Submission:

Ambry Genetics
Classification: Uncertain significance for Hereditary cancer-predisposing syndrome. Last evaluated: 2013-03-26. Review status: criteria provided, single submitter. Criteria: Ambry Autosomal Dominant and X-Linked criteria (10/2015). Collection method: clinical testing. Allele origin: germline. Observed: 1 variant allele.
Comment: There is insufficient or conflicting evidence for classification of this alteration.